The following is an entry in ClinVar:

NC_000006.11:g.(?_162206794)_(162206950_?)del

Gene: PRKN (parkin RBR E3 ubiquitin protein ligase; minus strand). Cytogenetic location: 6q26.
Variant type: Deletion.
Identifiers: ClinVar variation 1073295 (VCV001073295.6).

ClinVar aggregate classification (germline): Pathogenic (1 of 4 stars; one submission).

Submission:

Labcorp Genetics (formerly Invitae), Labcorp
Classification: Pathogenic. Last evaluated: 2021-08-12. Review status: criteria provided, single submitter. Criteria: Invitae Variant Classification Sherloc (09022015). Collection method: clinical testing. Allele origin: germline.
Comment: This variant is a gross deletion of the genomic region encompassing exon(s) 7 of the PRKN gene. This deletion is out-of-frame, and is expected to create a premature termination codon and result in an absent or disrupted protein product. Loss-of-function variants in PRKN are known to be pathogenic (PMID: 10072423, 20301651, 22956510). A similar copy number variant has been observed in individuals with early-onset Parkinson‚Äôs disease (PMID: 11487568, 24677602). For these reasons, this variant has been classified as Pathogenic.

Literature cited by the submitters: PubMed 10072423; PubMed 20301651; PubMed 22956510; PubMed 11487568; PubMed 24677602.